The following is an entry in ClinVar:

NM_004211.5(SLC6A5):c.2315A>C (p.Asn772Thr)

Gene: SLC6A5 (solute carrier family 6 member 5; plus strand). Cytogenetic location: 11p15.1.
Variant type: single nucleotide variant.
Coding change: c.2315A>C on transcript NM_004211.5 (MANE Select); coding-DNA position 2315, A replaced by C.
Protein change: p.Asn772Thr; replaces asparagine 772 with threonine.
Molecular consequence: missense variant.
Genome position (GRCh38, 1-based): chr11:20,654,789, A>C. VCF-style: chr11-20654789-A-C. GRCh37 (hg19) VCF-style: chr11-20676335-A-C.
Other names: c.1613A>C, p.Asn538Thr (NM_001318369.2); short protein forms N538T, N772T.
Identifiers: ClinVar variation 1512532 (VCV001512532.3), dbSNP rs746395612, ClinGen allele CA5921768.
Genomic context (GRCh38, chr11:20,654,789, plus strand): 5'-GCTCGCCACAGCCGGACTGGGGCCCATTCTTAGCTCAACACCGCGGGGAGCGTTACAAGA[A>C]CATGATCGACCCCTTGGGAACCTCTTCCTTGGGACTCAAACTGCCAGTGAAGGATTTGGA-3'
Protein context (NP_004202.4, residues 762-782): LAQHRGERYK[Asn772Thr]MIDPLGTSSL

ClinVar aggregate classification (germline): Uncertain significance (1 of 4 stars; one submission).

Conditions:
Hyperekplexia 3 (HKPX3). Also called: HYPEREKPLEXIA 3, AUTOSOMAL RECESSIVE; HYPEREKPLEXIA 3, AUTOSOMAL DOMINANT. Identifiers: Orphanet 3197, MedGen C3553288, MONDO:0013827, OMIM 614618.

Allele frequency attached by ClinVar (database versions not stated): TOPMed below 0.00001; ExAC 0.00001; gnomAD exomes 0.00001.
gnomAD v4.1: 6 of 1,614,164 alleles (0.00037%); highest among the groups gnomAD compares: Admixed American, 0.0033%; no homozygotes.

Submission:

Labcorp Genetics (formerly Invitae), Labcorp
Classification: Uncertain significance for Hyperekplexia 3. Last evaluated: 2022-03-28. Review status: criteria provided, single submitter. Criteria: Invitae Variant Classification Sherloc (09022015). Collection method: clinical testing. Allele origin: germline.
Comment: This sequence change replaces asparagine, which is neutral and polar, with threonine, which is neutral and polar, at codon 772 of the SLC6A5 protein (p.Asn772Thr). This variant is present in population databases (rs746395612, gnomAD 0.006%). This variant has not been reported in the literature in individuals affected with SLC6A5-related conditions. Advanced modeling of protein sequence and biophysical properties (such as structural, functional, and spatial information, amino acid conservation, physicochemical variation, residue mobility, and thermodynamic stability) performed at Invitae indicates that this missense variant is not expected to disrupt SLC6A5 protein function. In summary, the available evidence is currently insufficient to determine the role of this variant in disease. Therefore, it has been classified as a Variant of Uncertain Significance.